The following is an entry in ClinVar:

ClinVar aggregate classification (germline): Uncertain significance (1 of 4 stars; one submission).

Conditions:
Primary ciliary dyskinesia. Also called: Ciliary dyskinesia. Identifiers: Orphanet 244, MedGen C0008780, MONDO:0016575, HP:0012265.

Submission:

Labcorp Genetics (formerly Invitae), Labcorp
Classification: Uncertain significance for Primary ciliary dyskinesia. Last evaluated: 2021-08-28. Review status: criteria provided, single submitter. Criteria: Invitae Variant Classification Sherloc (09022015). Collection method: clinical testing. Allele origin: germline.
Comment: This sequence change replaces lysine with asparagine at codon 726 of the CCDC39 protein (p.Lys726Asn). The lysine residue is weakly conserved and there is a moderate physicochemical difference between lysine and asparagine. This variant is not present in population databases (ExAC no frequency). This variant has not been reported in the literature in individuals affected with CCDC39-related conditions. Algorithms developed to predict the effect of missense changes on protein structure and function are either unavailable or do not agree on the potential impact of this missense change (SIFT: "Tolerated"; PolyPhen-2: "Possibly Damaging"; Align-GVGD: "Class C0"). In summary, the available evidence is currently insufficient to determine the role of this variant in disease. Therefore, it has been classified as a Variant of Uncertain Significance.

NM_181426.2(CCDC39):c.2178A>C (p.Lys726Asn)

Gene: CCDC39 (coiled-coil domain 39 molecular ruler complex subunit; minus strand). Cytogenetic location: 3q26.33.
Variant type: single nucleotide variant.
Coding change: c.2178A>C on transcript NM_181426.2 (MANE Select); coding-DNA position 2178, A replaced by C.
Protein change: p.Lys726Asn; replaces lysine 726 with asparagine.
Molecular consequence: missense variant.
Genome position (GRCh38, 1-based): chr3:180,619,346, T>G on the plus strand (A>C on the coding strand, the complement: CCDC39 is on the minus strand). VCF-style: chr3-180619346-T-G. GRCh37 (hg19) VCF-style: chr3-180337134-T-G.
Other names: short protein forms K726N.
Identifiers: ClinVar variation 1378353 (VCV001378353.6), dbSNP rs2108406240, ClinGen allele CA355307037.